The following is an entry in ClinVar:

ClinVar aggregate classification (germline): Uncertain significance (1 of 4 stars; one submission).

Conditions:
Baller-Gerold syndrome (BGS). Also called: CRANIOSYNOSTOSIS WITH RADIAL DEFECTS. Identifiers: Orphanet 1225, MedGen C0265308, MONDO:0009039, OMIM 218600.

Submission:

Labcorp Genetics (formerly Invitae), Labcorp
Classification: Uncertain significance for Baller-Gerold syndrome. Last evaluated: 2023-07-09. Review status: criteria provided, single submitter. Criteria: Invitae Variant Classification Sherloc (09022015). Collection method: clinical testing. Allele origin: germline.
Comment: In summary, the available evidence is currently insufficient to determine the role of this variant in disease. Therefore, it has been classified as a Variant of Uncertain Significance. Advanced modeling of protein sequence and biophysical properties (such as structural, functional, and spatial information, amino acid conservation, physicochemical variation, residue mobility, and thermodynamic stability) performed at Invitae indicates that this missense variant is expected to disrupt RECQL4 protein function. ClinVar contains an entry for this variant (Variation ID: 459481). This variant has not been reported in the literature in individuals affected with RECQL4-related conditions. This variant is not present in population databases (gnomAD no frequency). This sequence change replaces glutamic acid, which is acidic and polar, with lysine, which is basic and polar, at codon 1152 of the RECQL4 protein (p.Glu1152Lys).

NM_004260.4(RECQL4):c.3454G>A (p.Glu1152Lys)

Gene: RECQL4 (RecQ like helicase 4; minus strand). Cytogenetic location: 8q24.3.
Variant type: single nucleotide variant.
Coding change: c.3454G>A on transcript NM_004260.4 (MANE Select); coding-DNA position 3454, G replaced by A.
Protein change: p.Glu1152Lys; replaces glutamic acid 1152 with lysine.
Molecular consequence: missense variant.
Genome position (GRCh38, 1-based): chr8:144,511,729, C>T on the plus strand (G>A on the coding strand, the complement: RECQL4 is on the minus strand). VCF-style: chr8-144511729-C-T. GRCh37 (hg19) VCF-style: chr8-145737112-C-T.
Other names: short protein forms E1152K.
Identifiers: ClinVar variation 459481 (VCV000459481.4), dbSNP rs1554895824, ClinGen allele CA372667048.